The following is an entry in ClinVar:

NM_020166.5(MCCC1):c.1016G>T (p.Arg339Met)

Gene: MCCC1 (methylcrotonyl-CoA carboxylase subunit 1; minus strand). Cytogenetic location: 3q27.1.
Variant type: single nucleotide variant.
Coding change: c.1016G>T on transcript NM_020166.5 (MANE Select); coding-DNA position 1016, G replaced by T.
Protein change: p.Arg339Met; replaces arginine 339 with methionine.
Molecular consequence: missense variant. On other transcripts: non-coding transcript variant (2).
Genome position (GRCh38, 1-based): chr3:183,045,480, C>A on the plus strand (G>T on the coding strand, the complement: MCCC1 is on the minus strand). VCF-style: chr3-183045480-C-A. GRCh37 (hg19) VCF-style: chr3-182763268-C-A.
Other names: c.665G>T, p.Arg222Met (NM_001293273.2); c.689G>T, p.Arg230Met (NM_001363880.1); short protein forms R230M, R222M, R339M.
Identifiers: ClinVar variation 2174270 (VCV002174270.4), dbSNP rs2530194243, ClinGen allele CA355325197.
Genomic context (GRCh38, chr3:183,045,480, plus strand): 5'-TGCCACTCCACCAAGTCAGTTCCTGTGATCATCTCAGTAACAGGATGTTCCACTTGCAGC[C>A]TTGTATTCATCTCCATGAAACAGAAATTATGTTTTGAGTCCATAATAAACTCCACAGTCC-3'
Protein context (NP_064551.3, residues 329-349): HNFCFMEMNT[Arg339Met]LQVEHPVTEM

ClinVar aggregate classification (germline): Uncertain significance (1 of 4 stars; one submission).

Conditions:
3-methylcrotonyl-CoA carboxylase 1 deficiency (MCC1D). Also called: MCCD TYPE 1; METHYLCROTONYLGLYCINURIA TYPE I; MCC 1 deficiency; 3 Alpha methylcrotonylglycinuria 1. Identifiers: Orphanet 6, MedGen CN028786, MONDO:0008861, OMIM 210200.

Submission:

Labcorp Genetics (formerly Invitae), Labcorp
Classification: Uncertain significance for 3-methylcrotonyl-CoA carboxylase 1 deficiency. Last evaluated: 2021-12-16. Review status: criteria provided, single submitter. Criteria: Invitae Variant Classification Sherloc (09022015). Collection method: clinical testing. Allele origin: germline.
Comment: In summary, the available evidence is currently insufficient to determine the role of this variant in disease. Therefore, it has been classified as a Variant of Uncertain Significance. Algorithms developed to predict the effect of missense changes on protein structure and function (SIFT, PolyPhen-2, Align-GVGD) all suggest that this variant is likely to be disruptive. This variant has not been reported in the literature in individuals affected with MCCC1-related conditions. This variant is not present in population databases (gnomAD no frequency). This sequence change replaces arginine, which is basic and polar, with methionine, which is neutral and non-polar, at codon 339 of the MCCC1 protein (p.Arg339Met).